The following is an entry in ClinVar:

NM_000671.4(ADH5):c.9C>G (p.Asn3Lys)

Gene: ADH5 (alcohol dehydrogenase 5 (class III), chi polypeptide; minus strand). Cytogenetic location: 4q23.
Variant type: single nucleotide variant.
Coding change: c.9C>G on transcript NM_000671.4 (MANE Select); coding-DNA position 9, C replaced by G.
Protein change: p.Asn3Lys; replaces asparagine 3 with lysine.
Molecular consequence: missense variant.
Genome position (GRCh38, 1-based): chr4:99,088,692, G>C on the plus strand (C>G on the coding strand, the complement: ADH5 is on the minus strand). VCF-style: chr4-99088692-G-C. GRCh37 (hg19) VCF-style: chr4-100009843-G-C.
Other names: short protein forms N3K.
Identifiers: ClinVar variation 1722970 (VCV001722970.2), dbSNP rs748458712, ClinGen allele CA357494723.

ClinVar aggregate classification (germline): Uncertain significance (1 of 4 stars; one submission).

Allele frequency attached by ClinVar (database versions not stated): gnomAD 0.00001.
gnomAD v4.1: 23 of 1,606,750 alleles (0.0014%); highest among the groups gnomAD compares: Non-Finnish European, 0.002%; no homozygotes.

Submission:

GeneDx
Classification: Uncertain significance. Last evaluated: 2022-05-05. Review status: criteria provided, single submitter. Criteria: GeneDx Variant Classification Process June 2021. Collection method: clinical testing. Allele origin: germline. Affected: yes.
Comment: In silico analysis supports that this missense variant does not alter protein structure/function; Has not been previously published as pathogenic or benign to our knowledge